The following is an entry in ClinVar:

ClinVar aggregate classification (germline): Uncertain significance (1 of 4 stars; one submission).

Conditions:
Diamond-Blackfan anemia. Also called: Blackfan Diamond syndrome; Aregenerative anemia chronic congenital; Red cell aplasia, pure hereditary; Congenital hypoplastic anemia; Aase syndrome. Identifiers: Orphanet 124, MedGen C1260899, MeSH D029503, MONDO:0015253, HP:0004810.
GATA binding protein 1 related thrombocytopenia with dyserythropoiesis. Also called: GATA1-Related Cytopenia; GATA1-Related X-Linked Cytopenia. Identifiers: MedGen C1845837, MONDO:0100089.

Submission:

Labcorp Genetics (formerly Invitae), Labcorp
Classification: Uncertain significance for GATA binding protein 1 related thrombocytopenia with dyserythropoiesis; Diamond-Blackfan anemia. Last evaluated: 2025-06-12. Review status: criteria provided, single submitter. Criteria: Invitae Variant Classification Sherloc (09022015). Collection method: clinical testing. Allele origin: germline.
Comment: This sequence change replaces alanine, which is neutral and non-polar, with proline, which is neutral and non-polar, at codon 338 of the GATA1 protein (p.Ala338Pro). This variant is not present in population databases (gnomAD no frequency). This variant has not been reported in the literature in individuals affected with GATA1-related conditions. Invitae Evidence Modeling of protein sequence and biophysical properties (such as structural, functional, and spatial information, amino acid conservation, physicochemical variation, residue mobility, and thermodynamic stability) indicates that this missense variant is not expected to disrupt GATA1 protein function with a negative predictive value of 95%. In summary, the available evidence is currently insufficient to determine the role of this variant in disease. Therefore, it has been classified as a Variant of Uncertain Significance.

NM_002049.4(GATA1):c.1012G>C (p.Ala338Pro)

Gene: GATA1 (GATA binding protein 1; plus strand). Cytogenetic location: Xp11.23.
Variant type: single nucleotide variant.
Coding change: c.1012G>C on transcript NM_002049.4 (MANE Select); coding-DNA position 1012, G replaced by C.
Protein change: p.Ala338Pro; replaces alanine 338 with proline.
Molecular consequence: missense variant.
Genome position (GRCh38, 1-based): chrX:48,793,934, G>C. VCF-style: chrX-48793934-G-C. GRCh37 (hg19) VCF-style: chrX-48652341-G-C.
Other names: short protein forms A338P.
Identifiers: ClinVar variation 4783751 (VCV004783751.1).